The following is an entry in ClinVar:

ClinVar aggregate classification (germline): Pathogenic. Review status: criteria provided, multiple submitters, no conflicts (2 of 4 stars). 2 submissions from 2 submitters: Pathogenic (2). Last evaluated 2024-08-04.

Conditions:
Inborn genetic diseases. Identifiers: MedGen C0950123, MeSH D030342.

Submissions (2):

Labcorp Genetics (formerly Invitae), Labcorp
Classification: Pathogenic. Last evaluated: 2024-08-04. Review status: criteria provided, single submitter. Criteria: Invitae Variant Classification Sherloc (09022015). Collection method: clinical testing. Allele origin: germline.
Comment: This sequence change creates a premature translational stop signal (p.Asn899Lysfs*3) in the KIF11 gene. It is expected to result in an absent or disrupted protein product. Loss-of-function variants in KIF11 are known to be pathogenic (PMID: 22284827, 24281367). This variant is not present in population databases (gnomAD no frequency). This variant has not been reported in the literature in individuals affected with KIF11-related conditions. ClinVar contains an entry for this variant (Variation ID: 521913). Algorithms developed to predict the effect of sequence changes on RNA splicing suggest that this variant may disrupt the consensus splice site. For these reasons, this variant has been classified as Pathogenic.

Ambry Genetics
Classification: Pathogenic for Inborn genetic diseases. Last evaluated: 2017-07-13. Review status: criteria provided, single submitter. Criteria: Ambry exome assertion method (8-5-2015). Collection method: clinical testing. Allele origin: germline. Affected: yes. Observed: 1 variant allele.

Literature cited by the submitters: PubMed 22284827 (cited by Labcorp Genetics (formerly Invitae), Labcorp); PubMed 24281367 (cited by Labcorp Genetics (formerly Invitae), Labcorp).

NM_004523.4(KIF11):c.2697_2700del (p.Asn899fs)

Gene: KIF11 (kinesin family member 11; plus strand). Cytogenetic location: 10q23.33.
Variant type: Deletion.
Coding change: c.2697_2700del on transcript NM_004523.4 (MANE Select); coding-DNA positions 2697 to 2700, 4 bases deleted (TGAA; older notation c.2697_2700delTGAA).
Protein change: p.Asn899fs; shifts the reading frame from asparagine 899.
Molecular consequence: frameshift variant.
Genome position (GRCh38, 1-based): chr10:92,648,361-92,648,364, TGAA deleted; deleting any 4 consecutive bases within chr10:92,648,359-92,648,364 gives the same sequence; the c. name uses the placement nearest the transcript's 3' end. VCF-style (leftmost placement, unchanged base first): chr10-92648358-TAATG-T. GRCh37 (hg19) VCF-style: chr10-94408115-TAATG-T.
Other names: short protein forms N899fs.
Identifiers: ClinVar variation 521913 (VCV000521913.6), dbSNP rs1554863044, ClinGen allele CA658797517.